The following is an entry in ClinVar:

NM_001458.5(FLNC):c.110del (p.Ile37fs)

Gene: FLNC (filamin C; plus strand). Cytogenetic location: 7q32.1.
Variant type: Deletion.
Coding change: c.110del on transcript NM_001458.5 (MANE Select); coding-DNA position 110, one base deleted (T; older notation c.110delT).
Protein change: p.Ile37fs; shifts the reading frame from isoleucine 37.
Molecular consequence: frameshift variant.
Genome position (GRCh38, 1-based): chr7:128,830,747, T deleted. VCF-style (leftmost placement, unchanged base first): chr7-128830746-AT-A. GRCh37 (hg19) VCF-style: chr7-128470800-AT-A.
Other names: c.110del, p.Ile37fs (NM_001127487.2); short protein forms I37fs.
Identifiers: ClinVar variation 3755992 (VCV003755992.2).

ClinVar aggregate classification (germline): Pathogenic (1 of 4 stars; one submission).

Conditions:
Distal myopathy with posterior leg and anterior hand involvement. Also called: WILLIAMS DISTAL MYOPATHY. Identifiers: Orphanet 63273, MedGen C3279722, MONDO:0013550, OMIM 614065.
Hypertrophic cardiomyopathy 26. Also called: Cardiomyopathy, familial hypertrophic, 26. Identifiers: Orphanet 75249, MedGen C4310749, MONDO:0014883, OMIM 617047.
Myofibrillar myopathy 5. Also called: Filaminopathy (type); FILAMINOPATHY, AUTOSOMAL DOMINANT. Identifiers: Orphanet 171445, MedGen C1836050, MONDO:0012289, OMIM 609524.

Submission:

Labcorp Genetics (formerly Invitae), Labcorp
Classification: Pathogenic for Distal myopathy with posterior leg and anterior hand involvement; Myofibrillar myopathy 5; Hypertrophic cardiomyopathy 26. Last evaluated: 2024-04-25. Review status: criteria provided, single submitter. Criteria: Invitae Variant Classification Sherloc (09022015). Collection method: clinical testing. Allele origin: germline.
Comment: This sequence change creates a premature translational stop signal (p.Ile37Thrfs*21) in the FLNC gene. It is expected to result in an absent or disrupted protein product. Loss-of-function variants in FLNC are known to be pathogenic (PMID: 27908349). This variant is not present in population databases (gnomAD no frequency). This variant has not been reported in the literature in individuals affected with FLNC-related conditions. For these reasons, this variant has been classified as Pathogenic.

Literature cited by the submitters: PubMed 27908349.